The following is an entry in ClinVar:

NM_024747.6(HPS6):c.1816C>T (p.Arg606Cys)

Gene: HPS6 (HPS6 biogenesis of lysosomal organelles complex 2 subunit 3; plus strand). Cytogenetic location: 10q24.32.
Variant type: single nucleotide variant.
Coding change: c.1816C>T on transcript NM_024747.6 (MANE Select); coding-DNA position 1816, C replaced by T.
Protein change: p.Arg606Cys; replaces arginine 606 with cysteine.
Molecular consequence: missense variant.
Genome position (GRCh38, 1-based): chr10:102,067,290, C>T. VCF-style: chr10-102067290-C-T. GRCh37 (hg19) VCF-style: chr10-103827047-C-T.
Other names: short protein forms R606C.
Identifiers: ClinVar variation 1418239 (VCV001418239.7), dbSNP rs200618225, ClinGen allele CA5660047.
Genomic context (GRCh38, chr10:102,067,290, plus strand): 5'-CTGGCACAGCAGCAGGGCGGGCCGGGCTGGGGGGCAGGGGGCCCAGGACTGCCCCTGTAT[C>T]GCCGAGCTCTGGCAGTGCTAGGTGAGGAGGGGACCAGGCCTGAGGCTCTGGAGCTAGAGC-3'
Protein context (NP_079023.2, residues 596-616): GAGGPGLPLY[Arg606Cys]RALAVLGEEG

ClinVar aggregate classification (germline): Uncertain significance. Review status: criteria provided, multiple submitters, no conflicts (2 of 4 stars). 5 submissions from 5 submitters: Uncertain significance (5). Last evaluated 2024-11-07.

Conditions:
Hermansky-Pudlak syndrome 6 (HPS6). Identifiers: Orphanet 231512, Orphanet 79430, MedGen C3888007, MONDO:0013558, OMIM 614075.

Allele frequency attached by ClinVar (database versions not stated): gnomAD 0.00001 and 0.00002; ExAC 0.00003; gnomAD exomes 0.00003 and 0.00004; TOPMed 0.00008.
gnomAD v4.1: 67 of 1,612,886 alleles (0.0042%); highest among the groups gnomAD compares: Middle Eastern, 0.05%; no homozygotes.

Submissions (5):

Blueprint Genetics
Classification: Uncertain significance. Last evaluated: 2024-11-07. Review status: criteria provided, single submitter. Criteria: ACMG Guidelines, 2015. Collection method: clinical testing. Allele origin: germline.

Labcorp Genetics (formerly Invitae), Labcorp
Classification: Uncertain significance. Last evaluated: 2022-10-13. Review status: criteria provided, single submitter. Criteria: Invitae Variant Classification Sherloc (09022015). Collection method: clinical testing. Allele origin: germline.
Comment: This sequence change replaces arginine, which is basic and polar, with cysteine, which is neutral and slightly polar, at codon 606 of the HPS6 protein (p.Arg606Cys). This variant is present in population databases (rs200618225, gnomAD 0.01%). This variant has not been reported in the literature in individuals affected with HPS6-related conditions. ClinVar contains an entry for this variant (Variation ID: 1418239). Advanced modeling of protein sequence and biophysical properties (such as structural, functional, and spatial information, amino acid conservation, physicochemical variation, residue mobility, and thermodynamic stability) performed at Invitae indicates that this missense variant is not expected to disrupt HPS6 protein function. In summary, the available evidence is currently insufficient to determine the role of this variant in disease. Therefore, it has been classified as a Variant of Uncertain Significance.

Women's Health and Genetics/Laboratory Corporation of America, LabCorp
Classification: Uncertain significance. Last evaluated: 2022-06-13. Review status: criteria provided, single submitter. Criteria: LabCorp Variant Classification Summary - May 2015. Collection method: clinical testing. Allele origin: germline.
Comment: Variant summary: HPS6 c.1816C>T (p.Arg606Cys) results in a non-conservative amino acid change in the encoded protein sequence. Five of five in-silico tools predict a damaging effect of the variant on protein function. The variant allele was found at a frequency of 3.2e-05 in 247074 control chromosomes (gnomAD). The available data on variant occurrences in the general population are insufficient to allow any conclusion about variant significance. To our knowledge, no occurrence of c.1816C>T in individuals affected with Hermansky-Pudlak Syndrome and no experimental evidence demonstrating its impact on protein function have been reported. One ClinVar submitter has assessed the variant since 2014: the variant was classified as of uncertain significance. Based on the evidence outlined above, the variant was classified as uncertain significance.

Department of Pathology and Laboratory Medicine, Sinai Health System
Classification: Uncertain significance for Hermansky-Pudlak syndrome 6. Last evaluated: 2020-05-30. Review status: criteria provided, single submitter. Criteria: ACMG Guidelines, 2015. Collection method: research. Allele origin: germline.

Breakthrough Genomics
Classification: Uncertain significance. Review status: criteria provided, single submitter. Criteria: ACMG Guidelines, 2015. Collection method: not provided. Allele origin: germline. Inheritance: Autosomal recessive inheritance. Affected: yes.